The following is an entry in ClinVar:

NM_000890.5(KCNJ5):c.89G>A (p.Arg30His)

Gene: KCNJ5 (potassium inwardly rectifying channel subfamily J member 5; plus strand). Cytogenetic location: 11q24.3.
Variant type: single nucleotide variant.
Coding change: c.89G>A on transcript NM_000890.5 (MANE Select); coding-DNA position 89, G replaced by A.
Protein change: p.Arg30His; replaces arginine 30 with histidine.
Molecular consequence: missense variant.
Genome position (GRCh38, 1-based): chr11:128,911,362, G>A. VCF-style: chr11-128911362-G-A. GRCh37 (hg19) VCF-style: chr11-128781257-G-A.
Other names: c.89G>A, p.Arg30His (NM_001354169.2); short protein forms R30H.
Identifiers: ClinVar variation 1765406 (VCV001765406.5), dbSNP rs142140011, ClinGen allele CA6357817.

ClinVar aggregate classification (germline): Uncertain significance. Review status: criteria provided, multiple submitters, no conflicts (2 of 4 stars). 2 submissions from 2 submitters: Uncertain significance (2). Last evaluated 2023-08-09.

Conditions:
Cardiovascular phenotype. Identifiers: MedGen CN230736.
Long QT syndrome (LQTS). Identifiers: MedGen C0023976, MeSH D008133, MONDO:0002442. Disease mechanism: loss of function. Inheritance: Various modes of inheritance.

Allele frequency attached by ClinVar (database versions not stated): ExAC 0.00002; TOPMed 0.00006; ESP Exome Variant Server 0.00008; gnomAD exomes 0.00001.
gnomAD v4.1: 15 of 1,614,192 alleles (0.00093%); highest among the groups gnomAD compares: Admixed American, 0.005%; no homozygotes.

Submissions (2):

Labcorp Genetics (formerly Invitae), Labcorp
Classification: Uncertain significance for Long QT syndrome. Last evaluated: 2023-08-09. Review status: criteria provided, single submitter. Criteria: Invitae Variant Classification Sherloc (09022015). Collection method: clinical testing. Allele origin: germline.
Comment: ClinVar contains an entry for this variant (Variation ID: 1765406). This variant has not been reported in the literature in individuals affected with KCNJ5-related conditions. This variant is present in population databases (rs142140011, gnomAD 0.006%). This sequence change replaces arginine, which is basic and polar, with histidine, which is basic and polar, at codon 30 of the KCNJ5 protein (p.Arg30His). An algorithm developed to predict the effect of missense changes on protein structure and function (PolyPhen-2) suggests that this variant is likely to be disruptive. In summary, the available evidence is currently insufficient to determine the role of this variant in disease. Therefore, it has been classified as a Variant of Uncertain Significance.

Ambry Genetics
Classification: Uncertain significance for Cardiovascular phenotype. Last evaluated: 2022-04-18. Review status: criteria provided, single submitter. Criteria: Ambry Variant Classification Scheme 2023. Collection method: clinical testing. Allele origin: germline.
Comment: The p.R30H variant (also known as c.89G>A), located in coding exon 1 of the KCNJ5 gene, results from a G to A substitution at nucleotide position 89. The arginine at codon 30 is replaced by histidine, an amino acid with highly similar properties. This amino acid position is well conserved in available vertebrate species. In addition, the in silico prediction for this alteration is inconclusive. Since supporting evidence is limited at this time, the clinical significance of this alteration remains unclear.